The following is an entry in ClinVar:

NM_000465.4(BARD1):c.1811-13T>C

Gene: BARD1 (BRCA1 associated RING domain 1; minus strand). Cytogenetic location: 2q35.
Variant type: single nucleotide variant.
Coding change: c.1811-13T>C on transcript NM_000465.4 (MANE Select); 13 bases into the intron before coding-DNA position 1811, T replaced by C.
Molecular consequence: intron variant.
Genome position (GRCh38, 1-based): chr2:214,745,172, A>G on the plus strand (T>C on the coding strand, the complement: BARD1 is on the minus strand). VCF-style: chr2-214745172-A-G. GRCh37 (hg19) VCF-style: chr2-215609896-A-G.
Other names: c.401-13T>C (NM_001282548.2); c.1754-13T>C (NM_001282543.2); c.458-13T>C (NM_001282545.2); c.365-14664T>C (NM_001282549.2).
Identifiers: ClinVar variation 3378759 (VCV003378759.1).

ClinVar aggregate classification (germline): Likely benign (1 of 4 stars; one submission).

Conditions:
Familial cancer of breast. Also called: hereditary breast carcinoma; Hereditary breast cancer; BREAST CANCER, FAMILIAL. Identifiers: Orphanet 227535, MedGen C0346153, MONDO:0016419, OMIM 114480. Disease mechanism: loss of function.

gnomAD v4.1: 1 of 1,607,544 alleles (0.000062%); highest among the groups gnomAD compares: African/African-American, 0.0013%; no homozygotes.

Submission:

Myriad Genetics, Inc.
Classification: Likely benign for Familial cancer of breast. Last evaluated: 2024-07-26. Review status: criteria provided, single submitter. Criteria: Myriad Autosomal Dominant, Autosomal Recessive and X-Linked Classification Criteria (2023). Collection method: clinical testing. Allele origin: unknown.
Comment: This variant is considered likely benign. This variant is intronic and is not expected to impact mRNA splicing.